The following is an entry in ClinVar:

NC_000016.9:g.(?_2098588)_(2138713_?)dup

Genes: PKD1 (polycystin 1, transient receptor potential channel interacting; minus strand), TSC2 (TSC complex subunit 2; plus strand). Cytogenetic location: 16p13.3.
Variant type: Duplication.
Identifiers: ClinVar variation 417366 (VCV000417366.1).

ClinVar aggregate classification (germline): Uncertain significance (1 of 4 stars; one submission).

Conditions:
Tuberous sclerosis 2 (TSC2). Identifiers: Orphanet 805, MedGen C1860707, MONDO:0013199, OMIM 613254.

Submission:

Labcorp Genetics (formerly Invitae), Labcorp
Classification: Uncertain significance for Tuberous sclerosis 2. Last evaluated: 2016-11-08. Review status: criteria provided, single submitter. Criteria: Invitae Variant Classification Sherloc (09022015). Collection method: clinical testing. Allele origin: germline.
Comment: A gross duplication of the genomic region encompassing the full coding sequence of the TSC2 gene has been identified. The boundaries of this event are unknown as the duplication extends beyond the assayed region for this gene and therefore may encompass additional genes. As the precise location of this duplication is unknown, it may be in tandem or it may be located elsewhere in the genome. This variant has not been reported in the literature in individuals with a TSC2-related disease. Experimental studies are not available for this variant, and the functional significance of this duplication is currently unknown. In summary, the exact genomic location of this variant is unknown and the impact of this duplication on TSC2 protein function has not been established. Therefore, it has been classified as a Variant of Uncertain Significance.